The following is an entry in ClinVar:

ClinVar aggregate classification (germline): Uncertain significance. Review status: criteria provided, multiple submitters, no conflicts (2 of 4 stars). 3 submissions from 3 submitters: Uncertain significance (3). Last evaluated 2025-03-17.

Allele frequency attached by ClinVar (database versions not stated): gnomAD exomes 0.00001; TOPMed 0.00001.
gnomAD v4.1: 14 of 1,613,986 alleles (0.00087%); highest among the groups gnomAD compares: African/African-American, 0.0027%; no homozygotes.

Submissions (3):

Labcorp Genetics (formerly Invitae), Labcorp
Classification: Uncertain significance. Last evaluated: 2025-03-17. Review status: criteria provided, single submitter. Criteria: Invitae Variant Classification Sherloc (09022015). Collection method: clinical testing. Allele origin: germline.
Comment: This sequence change replaces proline, which is neutral and non-polar, with leucine, which is neutral and non-polar, at codon 165 of the BEST1 protein (p.Pro165Leu). This variant is present in population databases (no rsID available, gnomAD 0.008%). This variant has not been reported in the literature in individuals affected with BEST1-related conditions. ClinVar contains an entry for this variant (Variation ID: 1012573). Invitae Evidence Modeling of protein sequence and biophysical properties (such as structural, functional, and spatial information, amino acid conservation, physicochemical variation, residue mobility, and thermodynamic stability) indicates that this missense variant is expected to disrupt BEST1 protein function with a positive predictive value of 80%. In summary, the available evidence is currently insufficient to determine the role of this variant in disease. Therefore, it has been classified as a Variant of Uncertain Significance.

Blueprint Genetics
Classification: Uncertain significance. Last evaluated: 2024-06-05. Review status: criteria provided, single submitter. Criteria: ACMG Guidelines, 2015. Collection method: clinical testing. Allele origin: germline.

CeGaT Center for Human Genetics Tuebingen
Classification: Uncertain significance. Last evaluated: 2020-09-01. Review status: criteria provided, single submitter. Criteria: CeGaT Center For Human Genetics Tuebingen Variant Classification Criteria Version 2. Collection method: clinical testing. Allele origin: germline. Affected: yes. Observed: 1 variant allele.

NM_004183.4(BEST1):c.494C>T (p.Pro165Leu)

Gene: BEST1 (bestrophin 1; plus strand). Cytogenetic location: 11q12.3.
Variant type: single nucleotide variant.
Coding change: c.494C>T on transcript NM_004183.4 (MANE Select); coding-DNA position 494, C replaced by T.
Protein change: p.Pro165Leu; replaces proline 165 with leucine.
Molecular consequence: missense variant. On other transcripts: non-coding transcript variant (1).
Genome position (GRCh38, 1-based): chr11:61,956,856, C>T. VCF-style: chr11-61956856-C-T. GRCh37 (hg19) VCF-style: chr11-61724328-C-T.
Other names: c.314C>T, p.Pro105Leu (NM_001300786.2, NM_001300787.2, NM_001139443.3); c.176C>T, p.Pro59Leu (NM_001363591.3); c.494C>T, p.Pro165Leu (NM_001363592.2); c.-682C>T (NM_001363593.3); short protein forms P105L, P165L, P59L.
Identifiers: ClinVar variation 1012573 (VCV001012573.46), dbSNP rs1422259821, ClinGen allele CA380836985.